The following is an entry in ClinVar:

NM_000944.5(PPP3CA):c.385-3C>T

Gene: PPP3CA (protein phosphatase 3 catalytic subunit alpha; minus strand). Cytogenetic location: 4q24.
Variant type: single nucleotide variant.
Coding change: c.385-3C>T on transcript NM_000944.5 (MANE Select); 3 bases into the intron before coding-DNA position 385, C replaced by T.
Molecular consequence: intron variant.
Genome position (GRCh38, 1-based): chr4:101,099,725, G>A on the plus strand (C>T on the coding strand, the complement: PPP3CA is on the minus strand). VCF-style: chr4-101099725-G-A. GRCh37 (hg19) VCF-style: chr4-102020882-G-A.
Other names: c.385-3C>T (NM_001130692.2, NM_001130691.2).
Identifiers: ClinVar variation 2887960 (VCV002887960.3), dbSNP rs747271951, ClinGen allele CA3024497.

ClinVar aggregate classification (germline): Uncertain significance (1 of 4 stars; one submission).

Allele frequency attached by ClinVar (database versions not stated): ExAC 0.00002; gnomAD exomes below 0.00001.
gnomAD v4.1: 10 of 1,426,216 alleles (0.0007%); highest among the groups gnomAD compares: East Asian, 0.012%; no homozygotes.

Submission:

Labcorp Genetics (formerly Invitae), Labcorp
Classification: Uncertain significance. Last evaluated: 2025-07-21. Review status: criteria provided, single submitter. Criteria: Invitae Variant Classification Sherloc (09022015). Collection method: clinical testing. Allele origin: germline.
Comment: This sequence change falls in intron 3 of the PPP3CA gene. It does not directly change the encoded amino acid sequence of the PPP3CA protein. It affects a nucleotide within the consensus splice site. This variant is present in population databases (rs747271951, gnomAD 0.02%). This variant has not been reported in the literature in individuals affected with PPP3CA-related conditions. ClinVar contains an entry for this variant (Variation ID: 2887960). Variants that disrupt the consensus splice site are a relatively common cause of aberrant splicing (PMID: 17576681, 9536098). Algorithms developed to predict the effect of sequence changes on RNA splicing suggest that this variant is not likely to affect RNA splicing. In summary, the available evidence is currently insufficient to determine the role of this variant in disease. Therefore, it has been classified as a Variant of Uncertain Significance.

Literature cited by the submitters: PubMed 17576681; PubMed 9536098.